The following is an entry in ClinVar:

ClinVar aggregate classification (germline): Uncertain significance (1 of 4 stars; one submission).

Conditions:
Fanconi anemia (FA). Also called: Fanconi's anemia. Identifiers: Orphanet 84, MedGen C0015625, MeSH D005199, MONDO:0019391.

Allele frequency attached by ClinVar (database versions not stated): gnomAD exomes below 0.00001.
gnomAD v4.1: 2 of 1,608,024 alleles (0.00012%); highest among the groups gnomAD compares: East Asian, 0.0022%; no homozygotes.

Submission:

Labcorp Genetics (formerly Invitae), Labcorp
Classification: Uncertain significance for Fanconi anemia. Last evaluated: 2021-08-31. Review status: criteria provided, single submitter. Criteria: Invitae Variant Classification Sherloc (09022015). Collection method: clinical testing. Allele origin: germline.
Comment: This sequence change replaces valine with alanine at codon 240 of the FANCL protein (p.Val240Ala). The valine residue is moderately conserved and there is a small physicochemical difference between valine and alanine. This variant is not present in population databases (ExAC no frequency). This variant has not been reported in the literature in individuals affected with FANCL-related conditions. Algorithms developed to predict the effect of missense changes on protein structure and function (SIFT, PolyPhen-2, Align-GVGD) all suggest that this variant is likely to be disruptive. In summary, the available evidence is currently insufficient to determine the role of this variant in disease. Therefore, it has been classified as a Variant of Uncertain Significance.

NM_018062.4(FANCL):c.719T>C (p.Val240Ala)

Gene: FANCL (FA complementation group L; minus strand). Cytogenetic location: 2p16.1.
Variant type: single nucleotide variant.
Coding change: c.719T>C on transcript NM_018062.4 (MANE Select); coding-DNA position 719, T replaced by C.
Protein change: p.Val240Ala; replaces valine 240 with alanine.
Molecular consequence: missense variant.
Genome position (GRCh38, 1-based): chr2:58,163,490, A>G on the plus strand (T>C on the coding strand, the complement: FANCL is on the minus strand). VCF-style: chr2-58163490-A-G. GRCh37 (hg19) VCF-style: chr2-58390625-A-G.
Other names: c.734T>C, p.Val245Ala (NM_001114636.2); c.764T>C, p.Val255Ala (NM_001374615.1); c.779T>C, p.Val260Ala (NM_001410792.1); short protein forms V245A, V240A, V255A, V260A.
Identifiers: ClinVar variation 1478644 (VCV001478644.5), dbSNP rs1195674676, ClinGen allele CA346935990.